The following is an entry in ClinVar:

NM_032977.4(CASP10):c.684+1G>A

Gene: CASP10 (caspase 10; plus strand). Cytogenetic location: 2q33.1.
Variant type: single nucleotide variant.
Coding change: c.684+1G>A on transcript NM_032977.4 (MANE Select); the canonical splice donor site of the intron after coding-DNA position 684, G replaced by A.
Molecular consequence: splice donor variant.
Genome position (GRCh38, 1-based): chr2:201,195,949, G>A. VCF-style: chr2-201195949-G-A. GRCh37 (hg19) VCF-style: chr2-202060672-G-A.
Other names: c.684+1G>A (NM_032974.5, NM_001206542.2, NM_032976.4 and 3 more transcripts).
Identifiers: ClinVar variation 1425916 (VCV001425916.36), dbSNP rs372539994, ClinGen allele CA2052944.

ClinVar aggregate classification (germline): Uncertain significance. Review status: criteria provided, multiple submitters, no conflicts (2 of 4 stars). 4 submissions from 4 submitters: Uncertain significance (4). Last evaluated 2025-05-22.

Conditions:
CASP10-related disorder. Also called: CASP10-related condition.
Autoimmune lymphoproliferative syndrome type 2A (ALPS2A). Also called: Autoimmune lymphoproliferative syndrome type 2; AUTOIMMUNE LYMPHOPROLIFERATIVE SYNDROME, TYPE IIA; CASP10-Related Autoimmune Lymphoproliferative Syndrome. Identifiers: Orphanet 3261, MedGen C1858968, MONDO:0011383, OMIM 603909.

Allele frequency attached by ClinVar (database versions not stated): gnomAD exomes 0.00004 and 0.00012; TOPMed 0.00005; gnomAD 0.00008 and 0.00007; ExAC 0.00006; ESP Exome Variant Server 0.00008.
gnomAD v4.1: 178 of 1,600,438 alleles (0.011%); highest among the groups gnomAD compares: Non-Finnish European, 0.015%; no homozygotes.

Submissions (5):

Labcorp Genetics (formerly Invitae), Labcorp
Classification: Uncertain significance for Autoimmune lymphoproliferative syndrome type 2A. Last evaluated: 2025-05-22. Review status: criteria provided, single submitter. Criteria: Invitae Variant Classification Sherloc (09022015). Collection method: clinical testing. Allele origin: germline.
Comment: This sequence change affects a donor splice site in intron 5 of the CASP10 gene. It is expected to disrupt RNA splicing. Variants that disrupt the donor or acceptor splice site typically lead to a loss of protein function (PMID: 16199547), however the current clinical and genetic evidence is not sufficient to establish whether loss-of-function variants in CASP10 cause disease. This variant is present in population databases (rs372539994, gnomAD 0.01%). This variant has not been reported in the literature in individuals affected with CASP10-related conditions. ClinVar contains an entry for this variant (Variation ID: 1425916). Algorithms developed to predict the effect of sequence changes on RNA splicing suggest that this variant may disrupt the consensus splice site. In summary, the available evidence is currently insufficient to determine the role of this variant in disease. Therefore, it has been classified as a Variant of Uncertain Significance.

PreventionGenetics, part of Exact Sciences
Classification: Uncertain significance for CASP10-related condition. Last evaluated: 2024-11-24. Review status: criteria provided, single submitter. Criteria: ACMG Guidelines, 2015. Collection method: clinical testing. Allele origin: germline.
Comment: The CASP10 c.684+1G>A variant is predicted to disrupt the GT donor site and interfere with normal splicing. To our knowledge, this variant has not been reported in the literature. This variant is reported in 0.011% of alleles in individuals of European (Non-Finnish) descent in gnomAD. Loss of function, including splice site alterations, is not an established mechanism of CASP10-related disease. At this time, the clinical significance of this variant is uncertain due to the absence of conclusive functional and genetic evidence.

CeGaT Center for Human Genetics Tuebingen
Classification: Uncertain significance. Last evaluated: 2023-10-01. Review status: criteria provided, single submitter. Criteria: CeGaT Center For Human Genetics Tuebingen Variant Classification Criteria Version 2. Collection method: clinical testing. Allele origin: germline. Affected: yes. Observed: 3 variant alleles.
Comment: CASP10: PP3

Revvity Omics, Revvity
Classification: Uncertain significance for Autoimmune lymphoproliferative syndrome type 2A. Last evaluated: 2019-07-31. Review status: criteria provided, single submitter. Criteria: ACMG Guidelines, 2015. Collection method: clinical testing. Allele origin: germline.

Dr. Peter K. Rogan Lab, Western University
No classification provided (evidence only). Condition: Thymoma. Review status: no classification provided. Collection method: in vitro. Allele origin: not applicable. Functional consequence: skipped exon. Not counted in ClinVar's aggregate classification.

Literature cited by the submitters: PubMed 16199547 (cited by Labcorp Genetics (formerly Invitae), Labcorp).